The following is an entry in ClinVar:

ClinVar aggregate classification (germline): Benign/Likely benign. Review status: criteria provided, multiple submitters, no conflicts (2 of 4 stars). 4 submissions from 4 submitters: Benign (1); Likely benign (3). Last evaluated 2025-03-19.

Conditions:
Familial thoracic aortic aneurysm and aortic dissection (TAAD). Also called: Thoracic aortic aneurysms and dissections. Identifiers: Orphanet 91387, MedGen C4707243, MONDO:0019625.
Hereditary cancer-predisposing syndrome. Also called: Neoplastic Syndromes, Hereditary; Tumor predisposition; Hereditary neoplastic syndrome; Hereditary Cancer Syndrome. Identifiers: Orphanet 140162, MedGen C0027672, MeSH D009386, MONDO:0015356.
Juvenile polyposis syndrome (JPS). Identifiers: Orphanet 2929, MedGen C0345893, MONDO:0017380, OMIM 174900.
Juvenile polyposis/hereditary hemorrhagic telangiectasia syndrome (JPHT). Also called: JP/HHT SYNDROME; JUVENILE POLYPOSIS WITH HEREDITARY HEMORRHAGIC TELANGIECTASIA; POLYPOSIS, GENERALIZED JUVENILE, WITH PULMONARY ARTERIOVENOUS MALFORMATION; TELANGIECTASIA, HEREDITARY HEMORRHAGIC, WITH JUVENILE POLYPOSIS COLI; Juvenile Polyposis Syndrome / Hereditary Hemorrhagic Telangiectasia (JPS/HHT). Identifiers: Orphanet 2929, MedGen C1832942, MONDO:0008278, OMIM 175050.

Submissions (4):

Myriad Genetics, Inc.
Classification: Benign for Juvenile polyposis/hereditary hemorrhagic telangiectasia syndrome. Last evaluated: 2025-03-19. Review status: criteria provided, single submitter. Criteria: Myriad Autosomal Dominant, Autosomal Recessive and X-Linked Classification Criteria (2023). Collection method: clinical testing. Allele origin: unknown.
Comment: This variant is considered benign. This variant is a silent/synonymous amino acid change and it is not expected to impact splicing.

Ambry Genetics
Classification: Likely benign for Hereditary cancer-predisposing syndrome; Familial thoracic aortic aneurysm and aortic dissection. Last evaluated: 2025-02-03. Review status: criteria provided, single submitter. Criteria: Ambry Variant Classification Scheme 2023. Collection method: clinical testing. Allele origin: germline.

Labcorp Genetics (formerly Invitae), Labcorp
Classification: Likely benign for Juvenile polyposis syndrome. Last evaluated: 2024-11-04. Review status: criteria provided, single submitter. Criteria: Invitae Variant Classification Sherloc (09022015). Collection method: clinical testing. Allele origin: germline.

All of Us Research Program, National Institutes of Health
Classification: Likely benign for Juvenile polyposis/hereditary hemorrhagic telangiectasia syndrome. Last evaluated: 2023-07-10. Review status: criteria provided, single submitter. Criteria: ACMG Guidelines, 2015. Collection method: clinical testing. Allele origin: germline. Inheritance: Autosomal dominant inheritance. Observed: 1 variant allele, 1 heterozygote.
Comment: This study involves interpretation of variants in research participants for the purpose of population health screening. Participant phenotype was not available at the time of variant classification. Additional details can be found in publication PMID: 35346344, PMCID: PMC8962531

NM_005359.6(SMAD4):c.522T>C (p.Thr174=)

Gene: SMAD4 (SMAD family member 4; plus strand). Cytogenetic location: 18q21.2.
Variant type: single nucleotide variant.
Coding change: c.522T>C on transcript NM_005359.6 (MANE Select); coding-DNA position 522, T replaced by C.
Protein change: p.Thr174=; no amino-acid change (threonine 174 retained).
Molecular consequence: synonymous variant. On other transcripts: non-coding transcript variant (2).
Genome position (GRCh38, 1-based): chr18:51,054,848, T>C. VCF-style: chr18-51054848-T-C. GRCh37 (hg19) VCF-style: chr18-48581218-T-C.
Other names: c.522T>C, p.Thr174= (NM_001407041.1, NM_001407042.1, NM_001407043.1).
Identifiers: ClinVar variation 2099360 (VCV002099360.7), dbSNP rs2144418435, ClinGen allele CA503873701.
Genomic context (GRCh38, chr18:51,054,848, plus strand): 5'-AAGTATGATGGTGAAGGATGAATATGTGCATGACTTTGAGGGACAGCCATCGTTGTCCAC[T>C]GAAGGACATTCAATTCAAACCATCCAGCATCCACCAAGTAATCGTGCATCGACAGAGACA-3'
Protein context (NP_005350.1, residues 164-184): HDFEGQPSLS[Thr174=]EGHSIQTIQH